The following is an entry in ClinVar:

NM_000626.4(CD79B):c.467C>T (p.Thr156Met)

Genes: CD79B (CD79b molecule; minus strand), GH-LCR (growth hormone locus control region; plus strand). Cytogenetic location: 17q23.3.
Variant type: single nucleotide variant.
Coding change: c.467C>T on transcript NM_000626.4 (MANE Select); coding-DNA position 467, C replaced by T.
Protein change: p.Thr156Met; replaces threonine 156 with methionine.
Molecular consequence: missense variant.
Genome position (GRCh38, 1-based): chr17:63,929,852, G>A on the plus strand (C>T on the coding strand, the complement: CD79B is on the minus strand). VCF-style: chr17-63929852-G-A. GRCh37 (hg19) VCF-style: chr17-62007212-G-A.
Other names: c.470C>T, p.Thr157Met (NM_001039933.3); c.158C>T, p.Thr53Met (NM_001329050.2); c.155C>T, p.Thr52Met (NM_021602.4); short protein forms T52M, T157M, T53M, T156M.
Identifiers: ClinVar variation 1513391 (VCV001513391.4), dbSNP rs2144756917, ClinGen allele CA400604320.

ClinVar aggregate classification (germline): Uncertain significance (1 of 4 stars; one submission).

Conditions:
Agammaglobulinemia 6, autosomal recessive (AGM6). Also called: AGAMMAGLOBULINEMIA, AUTOSOMAL RECESSIVE, DUE TO CD79B DEFECT; AGAMMAGLOBULINEMIA 6. Identifiers: MedGen C3150207, MONDO:0012987, OMIM 612692.

Allele frequency attached by ClinVar (database versions not stated): gnomAD exomes below 0.00001.
gnomAD v4.1: 6 of 1,613,648 alleles (0.00037%); highest among the groups gnomAD compares: Non-Finnish European, 0.00042%; no homozygotes.

Submission:

Labcorp Genetics (formerly Invitae), Labcorp
Classification: Uncertain significance for Agammaglobulinemia 6, autosomal recessive. Last evaluated: 2021-02-25. Review status: criteria provided, single submitter. Criteria: Invitae Variant Classification Sherloc (09022015). Collection method: clinical testing. Allele origin: germline.
Comment: In summary, the available evidence is currently insufficient to determine the role of this variant in disease. Therefore, it has been classified as a Variant of Uncertain Significance. Algorithms developed to predict the effect of missense changes on protein structure and function output the following: SIFT: "Not Available"; PolyPhen-2: "Possibly Damaging"; Align-GVGD: "Not Available". The methionine amino acid residue is found in multiple mammalian species, suggesting that this missense change does not adversely affect protein function. These predictions have not been confirmed by published functional studies and their clinical significance is uncertain. This variant has not been reported in the literature in individuals with CD79B-related conditions. This variant is not present in population databases (ExAC no frequency). This sequence change replaces threonine with methionine at codon 156 of the CD79B protein (p.Thr156Met). The threonine residue is highly conserved and there is a moderate physicochemical difference between threonine and methionine.